The following is an entry in ClinVar:

ClinVar aggregate classification (germline): Uncertain significance (1 of 4 stars; one submission).

Conditions:
Left ventricular noncompaction 8 (LVNC8). Identifiers: Orphanet 154, Orphanet 54260, MedGen C3809288, MONDO:0014152, OMIM 615373.

Allele frequency attached by ClinVar (database versions not stated): gnomAD 0.00001; TOPMed 0.00001.
gnomAD v4.1: 6 of 1,613,556 alleles (0.00037%); highest among the groups gnomAD compares: African/African-American, 0.0013%; no homozygotes.

Submission:

Labcorp Genetics (formerly Invitae), Labcorp
Classification: Uncertain significance for Left ventricular noncompaction 8. Last evaluated: 2023-12-06. Review status: criteria provided, single submitter. Criteria: Invitae Variant Classification Sherloc (09022015). Collection method: clinical testing. Allele origin: germline.
Comment: This sequence change replaces alanine, which is neutral and non-polar, with valine, which is neutral and non-polar, at codon 573 of the PRDM16 protein (p.Ala573Val). This variant is present in population databases (no rsID available, gnomAD 0.007%). This variant has not been reported in the literature in individuals affected with PRDM16-related conditions. Algorithms developed to predict the effect of missense changes on protein structure and function output the following: SIFT: "Not Available"; PolyPhen-2: "Benign"; Align-GVGD: "Not Available". The valine amino acid residue is found in multiple mammalian species, which suggests that this missense change does not adversely affect protein function. In summary, the available evidence is currently insufficient to determine the role of this variant in disease. Therefore, it has been classified as a Variant of Uncertain Significance.

NM_022114.4(PRDM16):c.1718C>T (p.Ala573Val)

Gene: PRDM16 (PR/SET domain 16; plus strand). Cytogenetic location: 1p36.32.
Variant type: single nucleotide variant.
Coding change: c.1718C>T on transcript NM_022114.4 (MANE Select); coding-DNA position 1718, C replaced by T.
Protein change: p.Ala573Val; replaces alanine 573 with valine.
Molecular consequence: missense variant.
Genome position (GRCh38, 1-based): chr1:3,411,915, C>T. VCF-style: chr1-3411915-C-T. GRCh37 (hg19) VCF-style: chr1-3328479-C-T.
Other names: c.1718C>T, p.Ala573Val (NM_199454.3); short protein forms A573V.
Identifiers: ClinVar variation 2723029 (VCV002723029.3), dbSNP rs1032510351, ClinGen allele CA16966684.
Genomic context (GRCh38, chr1:3,411,915, plus strand): 5'-ACCCAGCCCTGCCCCTGGTCTCCGCCGTCAGCAACAGCAGCCAGGGCACGACGGCAGCTG[C>T]GGGGCCCGAGGAGAAGTTCGAGAGCCGCCTGGAGGACTCCTGTGTGGAGAAGCTGAAGAC-3'
Protein context (NP_071397.3, residues 563-583): SNSSQGTTAA[Ala573Val]GPEEKFESRL